The following is an entry in ClinVar:

NM_000038.6(APC):c.3613A>C (p.Ser1205Arg)

Gene: APC (APC regulator of Wnt signaling pathway; plus strand). Cytogenetic location: 5q22.2.
Variant type: single nucleotide variant.
Coding change: c.3613A>C on transcript NM_000038.6 (MANE Select); coding-DNA position 3613, A replaced by C.
Protein change: p.Ser1205Arg; replaces serine 1205 with arginine.
Molecular consequence: missense variant. On other transcripts: non-coding transcript variant (2).
Genome position (GRCh38, 1-based): chr5:112,839,207, A>C. VCF-style: chr5-112839207-A-C. GRCh37 (hg19) VCF-style: chr5-112174904-A-C.
Other names: c.3613A>C, p.Ser1205Arg (NM_001354895.2, NM_001127510.3, NM_001407450.1); c.3667A>C, p.Ser1223Arg (NM_001354896.2, NM_001407447.1, NM_001407448.1 and 1 more transcripts); c.3559A>C, p.Ser1187Arg (NM_001127511.3); c.3643A>C, p.Ser1215Arg (NM_001354897.2); c.3538A>C, p.Ser1180Arg (NM_001354898.2); c.3529A>C, p.Ser1177Arg (NM_001354899.2); c.3490A>C, p.Ser1164Arg (NM_001354900.2); c.3235A>C, p.Ser1079Arg (NM_001354904.2); and 11 more; short protein forms S1076R, S1104R, S1146R, S1177R, S1233R, S922R, S1045R, S1079R.
Identifiers: ClinVar variation 3635447 (VCV003635447.2).
Genomic context (GRCh38, chr5:112,839,207, plus strand): 5'-ACAGATATTCCTTCATCACAGAAACAGTCATTTTCATTCTCAAAGAGTTCATCTGGACAA[A>C]GCAGTAAAACCGAACATATGTCTTCAAGCAGTGAGAATACGTCCACACCTTCATCTAATG-3'
Protein context (NP_000029.2, residues 1195-1215): FSFSKSSSGQ[Ser1205Arg]SKTEHMSSSS

ClinVar aggregate classification (germline): Uncertain significance (1 of 4 stars; one submission).

Conditions:
Familial adenomatous polyposis 1 (FAP1). Also called: FAMILIAL ADENOMATOUS POLYPOSIS 1, ATTENUATED; POLYPOSIS, ADENOMATOUS INTESTINAL. Identifiers: MedGen C2713442, MONDO:0021056, OMIM 175100. Disease mechanism: loss of function.

Submission:

Labcorp Genetics (formerly Invitae), Labcorp
Classification: Uncertain significance for Familial adenomatous polyposis 1. Last evaluated: 2025-01-17. Review status: criteria provided, single submitter. Criteria: Invitae Variant Classification Sherloc (09022015). Collection method: clinical testing. Allele origin: germline.
Comment: This sequence change replaces serine, which is neutral and polar, with arginine, which is basic and polar, at codon 1205 of the APC protein (p.Ser1205Arg). This variant is not present in population databases (gnomAD no frequency). This variant has not been reported in the literature in individuals affected with APC-related conditions. Invitae Evidence Modeling of protein sequence and biophysical properties (such as structural, functional, and spatial information, amino acid conservation, physicochemical variation, residue mobility, and thermodynamic stability) indicates that this missense variant is not expected to disrupt APC protein function with a negative predictive value of 95%. In summary, the available evidence is currently insufficient to determine the role of this variant in disease. Therefore, it has been classified as a Variant of Uncertain Significance.